The following is an entry in ClinVar:

NM_000143.4(FH):c.1456_1458del (p.Ala486del)

Gene: FH (fumarate hydratase; minus strand). Cytogenetic location: 1q43.
Variant type: Deletion.
Coding change: c.1456_1458del on transcript NM_000143.4 (MANE Select); coding-DNA positions 1456 to 1458, 3 bases deleted (GCT; older notation c.1456_1458delGCT).
Protein change: p.Ala486del; deletes alanine 486.
Molecular consequence: inframe deletion.
Genome position (GRCh38, 1-based): chr1:241,497,903-241,497,905, AGC deleted on the plus strand (GCT on the coding strand, the reverse complement: FH is on the minus strand); deleting any 3 consecutive bases within chr1:241,497,903-241,497,907 gives the same sequence; the c. name uses the placement nearest the transcript's 3' end. VCF-style (leftmost placement, unchanged base first): chr1-241497902-TAGC-T. GRCh37 (hg19) VCF-style: chr1-241661202-TAGC-T.
Other names: short protein forms A486del.
Identifiers: ClinVar variation 1217999 (VCV001217999.8), dbSNP rs2147911262, ClinGen allele CA2499214627.

ClinVar aggregate classification (germline): Conflicting classifications of pathogenicity. Review status: criteria provided, conflicting classifications (1 of 4 stars). 2 submissions from 2 submitters: Pathogenic (1); Uncertain significance (1). Last evaluated 2025-09-21.

Submissions (2):

Labcorp Genetics (formerly Invitae), Labcorp
Classification: Pathogenic. Last evaluated: 2025-09-21. Review status: criteria provided, single submitter. Criteria: Invitae Variant Classification Sherloc (09022015). Collection method: clinical testing. Allele origin: germline.
Comment: This variant, c.1456_1458del, results in the deletion of 1 amino acid(s) of the FH protein (p.Ala486del), but otherwise preserves the integrity of the reading frame. This variant is not present in population databases (gnomAD no frequency). This variant has not been reported in the literature in individuals affected with FH-related conditions. ClinVar contains an entry for this variant (Variation ID: 1217999). This variant disrupts a region of the FH protein in which other variant(s) (p.Ala486Asp) have been determined to be pathogenic (PMID: 20109895; internal data). This suggests that this is a clinically significant region of the protein, and that variants that disrupt it are likely to be disease-causing. For these reasons, this variant has been classified as Pathogenic.

GeneDx
Classification: Uncertain significance. Last evaluated: 2020-08-10. Review status: criteria provided, single submitter. Criteria: GeneDx Variant Classification Process June 2021. Collection method: clinical testing. Allele origin: germline. Affected: yes.
Comment: Not observed in large population cohorts (Lek et al., 2016); In-frame deletion of 1 amino acid in a non-repeat region; In silico analysis supports a deleterious effect on protein structure/function; Has not been previously published as pathogenic or benign to our knowledge

Literature cited by the submitters: PubMed 20109895 (cited by Labcorp Genetics (formerly Invitae), Labcorp).